The following is an entry in ClinVar:

NM_001174096.2(ZEB1):c.699G>A (p.Thr233=)

Gene: ZEB1 (zinc finger E-box binding homeobox 1; plus strand). Cytogenetic location: 10p11.22.
Variant type: single nucleotide variant.
Coding change: c.699G>A on transcript NM_001174096.2 (MANE Select); coding-DNA position 699, G replaced by A.
Protein change: p.Thr233=; no amino-acid change (threonine 233 retained).
Molecular consequence: synonymous variant.
Genome position (GRCh38, 1-based): chr10:31,514,614, G>A. VCF-style: chr10-31514614-G-A. GRCh37 (hg19) VCF-style: chr10-31803542-G-A.
Other names: c.648G>A, p.Thr216= (NM_001128128.3); c.636G>A, p.Thr212= (NM_001174093.2); c.645G>A, p.Thr215= (NM_001174094.2); c.495G>A, p.Thr165= (NM_001174095.2); c.42G>A, p.Thr14= (NM_001323638.2, NM_001323641.2, NM_001323642.2 and 27 more transcripts); c.474G>A, p.Thr158= (NM_001323674.2); c.432G>A, p.Thr144= (NM_001323675.2); c.657G>A, p.Thr219= (NM_001323676.2); and 3 more.
Identifiers: ClinVar variation 1536748 (VCV001536748.16), dbSNP rs149166539, ClinGen allele CA5461542.

ClinVar aggregate classification (germline): Benign/Likely benign. Review status: criteria provided, multiple submitters, no conflicts (2 of 4 stars). 3 submissions from 3 submitters: Benign (1); Likely benign (2). Last evaluated 2025-10-06.

Conditions:
Posterior polymorphous corneal dystrophy 3 (PPCD3). Identifiers: Orphanet 98973, MedGen C1836724, MONDO:0012200, OMIM 609141.
Corneal dystrophy, Fuchs endothelial, 6 (FECD6). Identifiers: Orphanet 98974, MedGen C2750448, MONDO:0013206, OMIM 613270.

Allele frequency attached by ClinVar (database versions not stated): 1000 Genomes Project 30x 0.00016; 1000 Genomes Project 0.00020; ESP Exome Variant Server 0.00038; TOPMed 0.00064; gnomAD 0.00082 and 0.00085; ExAC 0.00119; gnomAD exomes 0.00121.
gnomAD v4.1: 1,974 of 1,612,290 alleles (0.12%); highest among the groups gnomAD compares: South Asian, 0.36%; 5 homozygotes.

Submissions (3):

Labcorp Genetics (formerly Invitae), Labcorp
Classification: Benign. Last evaluated: 2025-10-06. Review status: criteria provided, single submitter. Criteria: Invitae Variant Classification Sherloc (09022015). Collection method: clinical testing. Allele origin: germline.

CeGaT Center for Human Genetics Tuebingen
Classification: Likely benign. Last evaluated: 2025-09-01. Review status: criteria provided, single submitter. Criteria: CeGaT Center For Human Genetics Tuebingen Variant Classification Criteria Version 2. Collection method: clinical testing. Allele origin: germline. Affected: yes. Observed: 1 variant allele.
Comment: ZEB1: BP4, BP7, BS1

Fulgent Genetics
Classification: Likely benign for Posterior polymorphous corneal dystrophy 3; Corneal dystrophy, Fuchs endothelial, 6. Last evaluated: 2022-05-03. Review status: criteria provided, single submitter. Criteria: ACMG Guidelines, 2015. Collection method: clinical testing. Allele origin: unknown.